The following is an entry in ClinVar:

ClinVar aggregate classification (germline): Likely benign (1 of 4 stars; one submission).

gnomAD v4.1: 1 of 1,208,894 alleles (0.000083%); highest among the groups gnomAD compares: Non-Finnish European, 0.00011%; no homozygotes.

Submission:

CeGaT Center for Human Genetics Tuebingen
Classification: Likely benign. Last evaluated: 2026-06-01. Review status: criteria provided, single submitter. Criteria: CeGaT Center For Human Genetics Tuebingen Variant Classification Criteria Version 2. Collection method: clinical testing. Allele origin: germline. Affected: yes. Observed: 1 variant allele.
Comment: SYP: BP4, BP7

NM_003179.3(SYP):c.171T>C (p.Cys57=)

Gene: SYP (synaptophysin; minus strand). Cytogenetic location: Xp11.23.
Variant type: single nucleotide variant.
Coding change: c.171T>C on transcript NM_003179.3 (MANE Select); coding-DNA position 171, T replaced by C.
Protein change: p.Cys57=; no amino-acid change (cysteine 57 retained).
Molecular consequence: synonymous variant.
Genome position (GRCh38, 1-based): chrX:49,197,771, A>G on the plus strand (T>C on the coding strand, the complement: SYP is on the minus strand). VCF-style: chrX-49197771-A-G. GRCh37 (hg19) VCF-style: chrX-49054230-A-G.
Identifiers: ClinVar variation 4873735 (VCV004873735.2).
Genomic context (GRCh38, chrX:49,197,771, plus strand): 5'-ACACCTGAAGGGGTACTCGAACTCGACCTCGATGCTGAGGTCACTCTCGGTCTTGTTGGC[A>G]CAATCCACGCTCAGCTGGAGCTCCCCACTGTAGCTGCCGCATGTGGCAAAGGCGAAGATG-3'
Protein context (NP_003170.1, residues 47-67): YSGELQLSVD[Cys57=]ANKTESDLSI